The following is an entry in ClinVar:

NM_153704.6(TMEM67):c.385T>C (p.Cys129Arg)

Gene: TMEM67 (transmembrane protein 67; plus strand). Cytogenetic location: 8q22.1.
Variant type: single nucleotide variant.
Coding change: c.385T>C on transcript NM_153704.6 (MANE Select); coding-DNA position 385, T replaced by C.
Protein change: p.Cys129Arg; replaces cysteine 129 with arginine.
Molecular consequence: missense variant. On other transcripts: non-coding transcript variant (1).
Genome position (GRCh38, 1-based): chr8:93,758,555, T>C. VCF-style: chr8-93758555-T-C. GRCh37 (hg19) VCF-style: chr8-94770783-T-C.
Other names: c.8T>C, p.Leu3Pro (NM_001142301.1); short protein forms C129R, L3P.
Identifiers: ClinVar variation 2636941 (VCV002636941.1), dbSNP rs2536765898, ClinGen allele CA371685897.

ClinVar aggregate classification (germline): Uncertain significance (1 of 4 stars; one submission).

Conditions:
TMEM67-related disorder. Also called: TMEM67-related condition; TMEM67-related disorders. Identifiers: MedGen CN239423.

Submission:

PreventionGenetics, part of Exact Sciences
Classification: Uncertain significance for TMEM67-related condition. Last evaluated: 2022-09-15. Review status: criteria provided, single submitter. Criteria: ACMG Guidelines, 2015. Collection method: clinical testing. Allele origin: germline.
Comment: The TMEM67 c.385T>C variant is predicted to result in the amino acid substitution p.Cys129Arg. To our knowledge, this variant has not been reported in the literature or in a large population database, indicating this variant is rare. At this time, the clinical significance of this variant is uncertain due to the absence of conclusive functional and genetic evidence.